The following is an entry in ClinVar:

NM_001303052.2(MYT1L):c.1548C>T (p.His516=)

Gene: MYT1L (myelin transcription factor 1 like; minus strand). Cytogenetic location: 2p25.3.
Variant type: single nucleotide variant.
Coding change: c.1548C>T on transcript NM_001303052.2 (MANE Select); coding-DNA position 1548, C replaced by T.
Protein change: p.His516=; no amino-acid change (histidine 516 retained).
Molecular consequence: synonymous variant.
Genome position (GRCh38, 1-based): chr2:1,917,275, G>A on the plus strand (C>T on the coding strand, the complement: MYT1L is on the minus strand). VCF-style: chr2-1917275-G-A. GRCh37 (hg19) VCF-style: chr2-1921047-G-A.
Other names: c.1548C>T, p.His516= (NM_001329844.2, NM_001329845.1, NM_001329851.3); c.1542C>T, p.His514= (NM_001329846.3, NM_001329847.2, NM_001329848.1 and 3 more transcripts).
Identifiers: ClinVar variation 758986 (VCV000758986.26), dbSNP rs750963882, ClinGen allele CA1514216.

ClinVar aggregate classification (germline): Likely benign. Review status: criteria provided, multiple submitters, no conflicts (2 of 4 stars). 2 submissions from 2 submitters: Likely benign (2). Last evaluated 2023-11-01.

Allele frequency attached by ClinVar (database versions not stated): gnomAD 0.00001; TOPMed 0.00002; gnomAD exomes 0.00003 and 0.00004; ExAC 0.00005.
gnomAD v4.1: 48 of 1,613,316 alleles (0.003%); highest among the groups gnomAD compares: Non-Finnish European, 0.0035%; no homozygotes.

Submissions (2):

CeGaT Center for Human Genetics Tuebingen
Classification: Likely benign. Last evaluated: 2023-11-01. Review status: criteria provided, single submitter. Criteria: CeGaT Center For Human Genetics Tuebingen Variant Classification Criteria Version 2. Collection method: clinical testing. Allele origin: germline. Affected: yes. Observed: 1 variant allele.
Comment: MYT1L: BP4, BP7

Labcorp Genetics (formerly Invitae), Labcorp
Classification: Likely benign. Last evaluated: 2018-08-30. Review status: criteria provided, single submitter. Criteria: Invitae Variant Classification Sherloc (09022015). Collection method: clinical testing. Allele origin: germline.